The following is an entry in ClinVar:

NM_000111.3(SLC26A3):c.2255G>A (p.Arg752His)

Gene: SLC26A3 (solute carrier family 26 member 3; minus strand). Cytogenetic location: 7q22.3.
Variant type: single nucleotide variant.
Coding change: c.2255G>A on transcript NM_000111.3 (MANE Select); coding-DNA position 2255, G replaced by A.
Protein change: p.Arg752His; replaces arginine 752 with histidine.
Molecular consequence: missense variant.
Genome position (GRCh38, 1-based): chr7:107,767,595, C>T on the plus strand (G>A on the coding strand, the complement: SLC26A3 is on the minus strand). VCF-style: chr7-107767595-C-T. GRCh37 (hg19) VCF-style: chr7-107408040-C-T.
Other names: short protein forms R752H.
Identifiers: ClinVar variation 1439996 (VCV001439996.6), dbSNP rs765288477, ClinGen allele CA4433531.

ClinVar aggregate classification (germline): Uncertain significance (1 of 4 stars; one submission).

Allele frequency attached by ClinVar (database versions not stated): gnomAD 0.00001; TOPMed 0.00003; ExAC 0.00004; gnomAD exomes 0.00004 and 0.00006.
gnomAD v4.1: 94 of 1,607,832 alleles (0.0058%); highest among the groups gnomAD compares: Middle Eastern, 0.017%; no homozygotes.

Submission:

Labcorp Genetics (formerly Invitae), Labcorp
Classification: Uncertain significance. Last evaluated: 2022-07-19. Review status: criteria provided, single submitter. Criteria: Invitae Variant Classification Sherloc (09022015). Collection method: clinical testing. Allele origin: germline.
Comment: This sequence change replaces arginine, which is basic and polar, with histidine, which is basic and polar, at codon 752 of the SLC26A3 protein (p.Arg752His). This variant is present in population databases (rs765288477, gnomAD 0.009%). This variant has not been reported in the literature in individuals affected with SLC26A3-related conditions. ClinVar contains an entry for this variant (Variation ID: 1439996). Advanced modeling of protein sequence and biophysical properties (such as structural, functional, and spatial information, amino acid conservation, physicochemical variation, residue mobility, and thermodynamic stability) performed at Invitae indicates that this missense variant is not expected to disrupt SLC26A3 protein function. In summary, the available evidence is currently insufficient to determine the role of this variant in disease. Therefore, it has been classified as a Variant of Uncertain Significance.